The following is an entry in ClinVar:

NM_001903.5(CTNNA1):c.1868G>A (p.Arg623Gln)

Gene: CTNNA1 (catenin alpha 1; plus strand). Cytogenetic location: 5q31.2.
Variant type: single nucleotide variant.
Coding change: c.1868G>A on transcript NM_001903.5 (MANE Select); coding-DNA position 1868, G replaced by A.
Protein change: p.Arg623Gln; replaces arginine 623 with glutamine.
Molecular consequence: missense variant.
Genome position (GRCh38, 1-based): chr5:138,925,376, G>A. VCF-style: chr5-138925376-G-A. GRCh37 (hg19) VCF-style: chr5-138261065-G-A.
Other names: c.1499G>A, p.Arg500Gln (NM_001290310.3); c.758G>A, p.Arg253Gln (NM_001290312.1, NM_001323987.1, NM_001323988.1 and 17 more transcripts); c.1868G>A, p.Arg623Gln (NM_001323982.2, NM_001323983.1, NM_001323984.2 and 2 more transcripts); c.1775G>A, p.Arg592Gln (NM_001323986.2); c.419G>A, p.Arg140Gln (NM_001324006.1, NM_001324007.1, NM_001324008.1 and 2 more transcripts); c.665G>A, p.Arg222Gln (NM_001324011.1); c.515G>A, p.Arg172Gln (NM_001324012.1, NM_001324013.1); c.1559G>A, p.Arg520Gln (NM_001290309.3); short protein forms R520Q, R222Q, R592Q, R623Q, R172Q, R140Q, R253Q, R500Q.
Identifiers: ClinVar variation 1504667 (VCV001504667.11), dbSNP rs749328559, ClinGen allele CA3432051.

ClinVar aggregate classification (germline): Uncertain significance. Review status: criteria provided, multiple submitters, no conflicts (2 of 4 stars). 2 submissions from 2 submitters: Uncertain significance (2). Last evaluated 2025-06-27.

Conditions:
Hereditary cancer-predisposing syndrome. Also called: Hereditary neoplastic syndrome; Tumor predisposition; Neoplastic Syndromes, Hereditary; Hereditary Cancer Syndrome. Identifiers: Orphanet 140162, MedGen C0027672, MeSH D009386, MONDO:0015356.

Allele frequency attached by ClinVar (database versions not stated): ExAC 0.00001; gnomAD exomes 0.00001.
gnomAD v4.1: 8 of 1,614,142 alleles (0.0005%); highest among the groups gnomAD compares: Admixed American, 0.0017%; no homozygotes.

Submissions (2):

Labcorp Genetics (formerly Invitae), Labcorp
Classification: Uncertain significance. Last evaluated: 2025-06-27. Review status: criteria provided, single submitter. Criteria: Invitae Variant Classification Sherloc (09022015). Collection method: clinical testing. Allele origin: germline.
Comment: This sequence change replaces arginine, which is basic and polar, with glutamine, which is neutral and polar, at codon 623 of the CTNNA1 protein (p.Arg623Gln). This variant is present in population databases (rs749328559, gnomAD 0.01%). This variant has not been reported in the literature in individuals affected with CTNNA1-related conditions. ClinVar contains an entry for this variant (Variation ID: 1504667). Invitae Evidence Modeling of protein sequence and biophysical properties (such as structural, functional, and spatial information, amino acid conservation, physicochemical variation, residue mobility, and thermodynamic stability) indicates that this missense variant is not expected to disrupt CTNNA1 protein function with a negative predictive value of 80%. In summary, the available evidence is currently insufficient to determine the role of this variant in disease. Therefore, it has been classified as a Variant of Uncertain Significance.

Ambry Genetics
Classification: Uncertain significance for Hereditary cancer-predisposing syndrome. Last evaluated: 2025-05-31. Review status: criteria provided, single submitter. Criteria: Ambry Variant Classification Scheme 2023. Collection method: clinical testing. Allele origin: germline.
Comment: The p.R623Q variant (also known as c.1868G>A), located in coding exon 12 of the CTNNA1 gene, results from a G to A substitution at nucleotide position 1868. The arginine at codon 623 is replaced by glutamine, an amino acid with highly similar properties. This amino acid position is highly conserved in available vertebrate species. In addition, the in silico prediction for this alteration is inconclusive. Based on the available evidence, the clinical significance of this variant remains unclear.